The following is an entry in ClinVar:

NM_000368.5(TSC1):c.1439-4T>C

Gene: TSC1 (TSC complex subunit 1; minus strand). Cytogenetic location: 9q34.13.
Variant type: single nucleotide variant.
Coding change: c.1439-4T>C on transcript NM_000368.5 (MANE Select); 4 bases into the intron before coding-DNA position 1439, T replaced by C.
Molecular consequence: intron variant.
Genome position (GRCh38, 1-based): chr9:132,906,143, A>G on the plus strand (T>C on the coding strand, the complement: TSC1 is on the minus strand). VCF-style: chr9-132906143-A-G. GRCh37 (hg19) VCF-style: chr9-135781530-A-G.
Other names: c.1076-4T>C (NM_001362177.2); c.1286-4T>C (NM_001162427.2); c.1436-4T>C (NM_001162426.2).
Identifiers: ClinVar variation 416669 (VCV000416669.27), dbSNP rs762473323, ClinGen allele CA028795.

ClinVar aggregate classification (germline): Benign/Likely benign. Review status: criteria provided, multiple submitters, no conflicts (2 of 4 stars). 10 submissions from 10 submitters: Benign (4); Likely benign (6). Last evaluated 2026-06-01.

Conditions:
TSC1-related disorder. Also called: TSC1-related condition.
Hereditary cancer-predisposing syndrome. Also called: Tumor predisposition; Hereditary neoplastic syndrome; Hereditary Cancer Syndrome; Neoplastic Syndromes, Hereditary. Identifiers: Orphanet 140162, MedGen C0027672, MeSH D009386, MONDO:0015356.
Tuberous sclerosis syndrome (TSC). Also called: Tuberous Sclerosis Complex; Tuberous sclerosis. Identifiers: Orphanet 805, MedGen C0041341, MONDO:0001734.
Tuberous sclerosis 1 (TSC1). Identifiers: Orphanet 805, MedGen C1854465, MONDO:0008612, OMIM 191100.

Allele frequency attached by ClinVar (database versions not stated): ExAC 0.00001; gnomAD exomes 0.00002 and 0.00003; TOPMed 0.00002; gnomAD 0.00003.
gnomAD v4.1: 34 of 1,611,286 alleles (0.0021%); highest among the groups gnomAD compares: Non-Finnish European, 0.0026%; no homozygotes.

Submissions (10):

CeGaT Center for Human Genetics Tuebingen
Classification: Likely benign. Last evaluated: 2026-06-01. Review status: criteria provided, single submitter. Criteria: CeGaT Center For Human Genetics Tuebingen Variant Classification Criteria Version 2. Collection method: clinical testing. Allele origin: germline. Affected: yes. Observed: 1 variant allele.
Comment: TSC1: BP4, BS1

Labcorp Genetics (formerly Invitae), Labcorp
Classification: Benign for Tuberous sclerosis 1. Last evaluated: 2025-12-23. Review status: criteria provided, single submitter. Criteria: Invitae Variant Classification Sherloc (09022015). Collection method: clinical testing. Allele origin: germline.

Myriad Genetics, Inc.
Classification: Benign for Tuberous sclerosis 1. Last evaluated: 2025-04-09. Review status: criteria provided, single submitter. Criteria: Myriad Autosomal Dominant, Autosomal Recessive and X-Linked Classification Criteria (2023). Collection method: clinical testing. Allele origin: unknown.
Comment: This variant is considered benign. This variant is intronic and is not expected to impact mRNA splicing. This variant has been observed at a population frequency that is significantly greater than expected given the associated disease prevalence and penetrance.

Blueprint Genetics
Classification: Likely benign. Last evaluated: 2024-10-23. Review status: criteria provided, single submitter. Criteria: ACMG Guidelines, 2015. Collection method: clinical testing. Allele origin: germline.

All of Us Research Program, National Institutes of Health
Classification: Benign for Tuberous sclerosis syndrome. Last evaluated: 2023-08-15. Review status: criteria provided, single submitter. Criteria: ACMG Guidelines, 2015. Collection method: clinical testing. Allele origin: germline. Inheritance: Autosomal dominant inheritance. Observed: 1 variant allele, 1 heterozygote.
Comment: This study involves interpretation of variants in research participants for the purpose of population health screening. Participant phenotype was not available at the time of variant classification. Additional details can be found in publication PMID: 35346344, PMCID: PMC8962531

Color Diagnostics, LLC DBA Color Health
Classification: Benign for Tuberous sclerosis syndrome. Last evaluated: 2022-11-18. Review status: criteria provided, single submitter. Criteria: ACMG Guidelines, 2015. Collection method: clinical testing. Allele origin: germline.

Genome-Nilou Lab
Classification: Likely benign for Tuberous sclerosis 1. Last evaluated: 2021-11-07. Review status: criteria provided, single submitter. Criteria: ACMG Guidelines, 2015. Collection method: clinical testing. Allele origin: germline. Affected: no.

PreventionGenetics, part of Exact Sciences
Classification: Likely benign for TSC1-related condition. Last evaluated: 2021-08-26. Review status: criteria provided, single submitter. Criteria: ACMG Guidelines, 2015. Collection method: clinical testing. Allele origin: germline.
Comment: This variant is classified as likely benign based on ACMG/AMP sequence variant interpretation guidelines (Richards et al. 2015 PMID: 25741868, with internal and published modifications).

GeneDx
Classification: Likely benign. Last evaluated: 2021-07-26. Review status: criteria provided, single submitter. Criteria: GeneDx Variant Classification Process June 2021. Collection method: clinical testing. Allele origin: germline. Affected: yes.

Ambry Genetics
Classification: Likely benign for Hereditary cancer-predisposing syndrome. Last evaluated: 2021-05-04. Review status: criteria provided, single submitter. Criteria: Ambry Variant Classification Scheme 2023. Collection method: clinical testing. Allele origin: germline.